The following is an entry in ClinVar:

ClinVar aggregate classification (germline): Uncertain significance (1 of 4 stars; one submission).

Conditions:
Charcot-Marie-Tooth disease type 4. Also called: Charcot-Marie-Tooth, Type 4; Charcot-Marie-Tooth disease, type IV. Identifiers: Orphanet 64749, MedGen C4082197, MONDO:0018995.

Allele frequency attached by ClinVar (database versions not stated): gnomAD 0.00001; TOPMed 0.00001.
gnomAD v4.1: 6 of 1,613,220 alleles (0.00037%); highest among the groups gnomAD compares: Non-Finnish European, 0.00051%; no homozygotes.

Submission:

Labcorp Genetics (formerly Invitae), Labcorp
Classification: Uncertain significance for Charcot-Marie-Tooth disease type 4. Last evaluated: 2021-07-31. Review status: criteria provided, single submitter. Criteria: Invitae Variant Classification Sherloc (09022015). Collection method: clinical testing. Allele origin: germline.
Comment: This sequence change replaces glutamine with proline at codon 209 of the SBF2 protein (p.Gln209Pro). The glutamine residue is highly conserved and there is a moderate physicochemical difference between glutamine and proline. This variant is not present in population databases (ExAC no frequency). This variant has not been reported in the literature in individuals affected with SBF2-related conditions. Algorithms developed to predict the effect of missense changes on protein structure and function are either unavailable or do not agree on the potential impact of this missense change (SIFT: "Deleterious"; PolyPhen-2: "Possibly Damaging"; Align-GVGD: "Class C0"). In summary, the available evidence is currently insufficient to determine the role of this variant in disease. Therefore, it has been classified as a Variant of Uncertain Significance.

NM_030962.4(SBF2):c.626A>C (p.Gln209Pro)

Gene: SBF2 (SET binding factor 2; minus strand). Cytogenetic location: 11p15.4.
Variant type: single nucleotide variant.
Coding change: c.626A>C on transcript NM_030962.4 (MANE Select); coding-DNA position 626, A replaced by C.
Protein change: p.Gln209Pro; replaces glutamine 209 with proline.
Molecular consequence: missense variant.
Genome position (GRCh38, 1-based): chr11:10,002,683, T>G on the plus strand (A>C on the coding strand, the complement: SBF2 is on the minus strand). VCF-style: chr11-10002683-T-G. GRCh37 (hg19) VCF-style: chr11-10024230-T-G.
Other names: c.626A>C, p.Gln209Pro (NM_001386339.1, NM_001386342.1); short protein forms Q209P.
Identifiers: ClinVar variation 2191069 (VCV002191069.1), dbSNP rs1256996587, ClinGen allele CA379643759.